The following is an entry in ClinVar:

NM_003118.4(SPARC):c.358G>A (p.Asp120Asn)

Gene: SPARC (secreted protein acidic and cysteine rich; minus strand). Cytogenetic location: 5q33.1.
Variant type: single nucleotide variant.
Coding change: c.358G>A on transcript NM_003118.4 (MANE Select); coding-DNA position 358, G replaced by A.
Protein change: p.Asp120Asn; replaces aspartic acid 120 with asparagine.
Molecular consequence: missense variant.
Genome position (GRCh38, 1-based): chr5:151,669,757, C>T on the plus strand (G>A on the coding strand, the complement: SPARC is on the minus strand). VCF-style: chr5-151669757-C-T. GRCh37 (hg19) VCF-style: chr5-151049318-C-T.
Other names: c.355G>A, p.Asp119Asn (NM_001309443.2); c.358G>A, p.Asp120Asn (NM_001309444.2); c.358G>A (NM_003118.3); short protein forms D120N, D119N.
Identifiers: ClinVar variation 1408317 (VCV001408317.5), dbSNP rs201797309, ClinGen allele CA3522718.

ClinVar aggregate classification (germline): Uncertain significance. Review status: criteria provided, multiple submitters, no conflicts (2 of 4 stars). 2 submissions from 2 submitters: Uncertain significance (2). Last evaluated 2022-10-05.

Allele frequency attached by ClinVar (database versions not stated): ExAC 0.00002; gnomAD 0.00003; gnomAD exomes 0.00003; TOPMed 0.00003; 1000 Genomes Project 30x 0.00016; 1000 Genomes Project 0.00020.
gnomAD v4.1: 35 of 1,614,180 alleles (0.0022%); highest among the groups gnomAD compares: Admixed American, 0.013%; no homozygotes.

Submissions (2):

GeneDx
Classification: Uncertain significance. Last evaluated: 2022-10-05. Review status: criteria provided, single submitter. Criteria: GeneDx Variant Classification Process June 2021. Collection method: clinical testing. Allele origin: germline. Affected: yes.
Comment: In silico analysis supports that this missense variant does not alter protein structure/function; Has not been previously published as pathogenic or benign to our knowledge

Labcorp Genetics (formerly Invitae), Labcorp
Classification: Uncertain significance. Last evaluated: 2022-08-17. Review status: criteria provided, single submitter. Criteria: Invitae Variant Classification Sherloc (09022015). Collection method: clinical testing. Allele origin: germline.
Comment: This sequence change replaces aspartic acid, which is acidic and polar, with asparagine, which is neutral and polar, at codon 120 of the SPARC protein (p.Asp120Asn). This variant is present in population databases (rs201797309, gnomAD 0.01%). This variant has not been reported in the literature in individuals affected with SPARC-related conditions. ClinVar contains an entry for this variant (Variation ID: 1408317). Algorithms developed to predict the effect of missense changes on protein structure and function (SIFT, PolyPhen-2, Align-GVGD) all suggest that this variant is likely to be tolerated. In summary, the available evidence is currently insufficient to determine the role of this variant in disease. Therefore, it has been classified as a Variant of Uncertain Significance.